The following is an entry in ClinVar:

NM_001466.4(FZD2):c.1693G>T (p.Val565Leu)

Gene: FZD2 (frizzled class receptor 2; plus strand). Cytogenetic location: 17q21.31.
Variant type: single nucleotide variant.
Coding change: c.1693G>T on transcript NM_001466.4 (MANE Select); coding-DNA position 1693, G replaced by T.
Protein change: p.Val565Leu; replaces valine 565 with leucine.
Molecular consequence: missense variant.
Genome position (GRCh38, 1-based): chr17:44,559,381, G>T. VCF-style: chr17-44559381-G-T. GRCh37 (hg19) VCF-style: chr17-42636749-G-T.
Other names: short protein forms V565L.
Identifiers: ClinVar variation 2032131 (VCV002032131.4), dbSNP rs1265443674, ClinGen allele CA399800754.

ClinVar aggregate classification (germline): Uncertain significance (1 of 4 stars; one submission).

gnomAD v4.1: 2 of 1,598,832 alleles (0.00013%); highest among the groups gnomAD compares: Non-Finnish European, 0.00017%; no homozygotes.

Submission:

Labcorp Genetics (formerly Invitae), Labcorp
Classification: Uncertain significance. Last evaluated: 2022-04-13. Review status: criteria provided, single submitter. Criteria: Invitae Variant Classification Sherloc (09022015). Collection method: clinical testing. Allele origin: germline.
Comment: In summary, the available evidence is currently insufficient to determine the role of this variant in disease. Therefore, it has been classified as a Variant of Uncertain Significance. Algorithms developed to predict the effect of missense changes on protein structure and function are either unavailable or do not agree on the potential impact of this missense change (SIFT: "Deleterious"; PolyPhen-2: "Benign"; Align-GVGD: "Class C0"). This variant has not been reported in the literature in individuals affected with FZD2-related conditions. This variant is present in population databases (no rsID available, gnomAD 0.001%). This sequence change replaces valine, which is neutral and non-polar, with leucine, which is neutral and non-polar, at codon 565 of the FZD2 protein (p.Val565Leu).